The following is an entry in ClinVar:

NM_002016.2(FLG):c.5230C>T (p.Gln1744Ter)

Genes: CCDST (cervical cancer associated DHX9 suppressive transcript; plus strand), FLG (filaggrin; minus strand). Cytogenetic location: 1q21.3.
Variant type: single nucleotide variant.
Coding change: c.5230C>T on transcript NM_002016.2 (MANE Select); coding-DNA position 5230, C replaced by T.
Protein change: p.Gln1744Ter; replaces glutamine 1744 with a stop codon.
Molecular consequence: nonsense.
Genome position (GRCh38, 1-based): chr1:152,309,656, G>A on the plus strand (C>T on the coding strand, the complement: FLG is on the minus strand). VCF-style: chr1-152309656-G-A. GRCh37 (hg19) VCF-style: chr1-152282132-G-A.
Other names: short protein forms Q1744*.
Identifiers: ClinVar variation 373021 (VCV000373021.3), dbSNP rs972579811, ClinGen allele CA16042302.

ClinVar aggregate classification (germline): Pathogenic (1 of 4 stars; one submission).

Allele frequency attached by ClinVar (database versions not stated): gnomAD 0.00001; TOPMed 0.00001.
gnomAD v4.1: 2 of 1,613,658 alleles (0.00012%); highest among the groups gnomAD compares: African/African-American, 0.0027%; no homozygotes.

Submission:

GeneDx
Classification: Pathogenic. Last evaluated: 2025-11-26. Review status: criteria provided, single submitter. Criteria: GeneDx Variant Classification Process June 2021. Collection method: clinical testing. Allele origin: germline. Affected: yes.
Comment: Nonsense variant predicted to result in protein truncation, as the last 2318 amino acid(s) are lost, and other loss-of-function variants have been reported downstream in HGMD; Has not been previously published as pathogenic or benign to our knowledge; This variant is associated with the following publications: (PMID: 16444271)